The following is an entry in ClinVar:

ClinVar aggregate classification (germline): Benign. Review status: criteria provided, multiple submitters, no conflicts (2 of 4 stars). 8 submissions from 7 submitters: Benign (8). Last evaluated 2026-02-04.

Conditions:
Junctional epidermolysis bullosa. Identifiers: Orphanet 305, MedGen C0079301, MONDO:0017612.
Junctional epidermolysis bullosa, non-Herlitz type. Also called: EPIDERMOLYSIS BULLOSA JUNCTIONALIS, DISENTIS TYPE; EPIDERMOLYSIS BULLOSA JUNCTIONALIS, NON-HERLITZ TYPE; EPIDERMOLYSIS BULLOSA JUNCTIONALIS, PROGRESSIVE; EPIDERMOLYSIS BULLOSA JUNCTIONALIS, SEVERE NONLETHAL; COL17A1-Related Junctional Epidermolysis Bullosa; Adult junctional epidermolysis bullosa. Identifiers: Orphanet 251393, Orphanet 79402, Orphanet 79405, Orphanet 89840, MedGen C0268374, MONDO:0009180, OMIM 226650.
Junctional epidermolysis bullosa gravis of Herlitz. Also called: EPIDERMOLYSIS BULLOSA JUNCTIONALIS, HERLITZ TYPE; EPIDERMOLYSIS BULLOSA, JUNCTIONAL, HERLITZ-PEARSON TYPE; Epidermolysis Bullosa Letalis; JEB-HERLITZ TYPE; EPIDERMOLYSIS BULLOSA, JUNCTIONAL 1B, SEVERE; Herlitz-type junctional epidermolysis bullosa. Identifiers: Orphanet 79404, MedGen C0079683, MONDO:0009182, OMIM 226700.

Allele frequency attached by ClinVar (database versions not stated): ESP Exome Variant Server 0.44749; gnomAD 0.45636 and 0.45782; TOPMed 0.45720; gnomAD exomes 0.47321; ExAC 0.47386; 1000 Genomes Project 30x 0.49094; 1000 Genomes Project 0.49621.

Submissions (8):

Labcorp Genetics (formerly Invitae), Labcorp
Classification: Benign. Last evaluated: 2026-02-04. Review status: criteria provided, single submitter. Criteria: Invitae Variant Classification Sherloc (09022015). Collection method: clinical testing. Allele origin: germline.

Blueprint Genetics
Classification: Benign. Last evaluated: 2024-11-26. Review status: criteria provided, single submitter. Criteria: ACMG Guidelines, 2015. Collection method: clinical testing. Allele origin: germline.

Genome-Nilou Lab
Classification: Benign for Junctional epidermolysis bullosa gravis of Herlitz. Last evaluated: 2021-07-08. Review status: criteria provided, single submitter. Criteria: ACMG Guidelines, 2015. Collection method: clinical testing. Allele origin: germline. Affected: no.

Genome-Nilou Lab
Classification: Benign for Junctional epidermolysis bullosa, non-Herlitz type. Last evaluated: 2021-07-08. Review status: criteria provided, single submitter. Criteria: ACMG Guidelines, 2015. Collection method: clinical testing. Allele origin: germline. Affected: no.

Illumina Laboratory Services, Illumina
Classification: Benign for Junctional epidermolysis bullosa. Last evaluated: 2018-01-13. Review status: criteria provided, single submitter. Criteria: ICSL Variant Classification Criteria 13 December 2019. Collection method: clinical testing. Allele origin: germline.
Comment: This variant was observed in the ICSL laboratory as part of a predisposition screen in an ostensibly healthy population. It had not been previously curated by ICSL or reported in the Human Gene Mutation Database (HGMD: prior to June 1st, 2018), and was therefore a candidate for classification through an automated scoring system. Utilizing variant allele frequency, disease prevalence and penetrance estimates, and inheritance mode, an automated score was calculated to assess if this variant is too frequent to cause the disease. Based on the score and internal cut-off values, a variant classified as benign is not then subjected to further curation. The score for this variant resulted in a classification of benign for this disease.

GeneDx
Classification: Benign. Last evaluated: 2015-03-03. Review status: criteria provided, single submitter. Criteria: GeneDx Variant Classification Process June 2021. Collection method: clinical testing. Allele origin: germline. Affected: yes.

Breakthrough Genomics
Classification: Benign. Review status: criteria provided, single submitter. Criteria: ACMG Guidelines, 2015. Collection method: not provided. Allele origin: germline. Inheritance: Autosomal recessive inheritance. Affected: yes.

PreventionGenetics, part of Exact Sciences
Classification: Benign. Review status: criteria provided, single submitter. Criteria: ACMG Guidelines, 2015. Collection method: clinical testing. Allele origin: germline.

NM_005562.3(LAMC2):c.268+14A>G

Gene: LAMC2 (laminin subunit gamma 2; plus strand). Cytogenetic location: 1q25.3.
Variant type: single nucleotide variant.
Coding change: c.268+14A>G on transcript NM_005562.3 (MANE Select); 14 bases into the intron after coding-DNA position 268, A replaced by G.
Molecular consequence: intron variant.
Genome position (GRCh38, 1-based): chr1:183,208,083, A>G. VCF-style: chr1-183208083-A-G. GRCh37 (hg19) VCF-style: chr1-183177218-A-G.
Other names: c.268+14A>G (NM_018891.3).
Identifiers: ClinVar variation 259785 (VCV000259785.21), dbSNP rs647347, ClinGen allele CA1282263.